The following is an entry in ClinVar:

NM_001736.4(C5AR1):c.509C>A (p.Pro170His)

Gene: C5AR1 (complement C5a receptor 1; plus strand). Cytogenetic location: 19q13.32.
Variant type: single nucleotide variant.
Coding change: c.509C>A on transcript NM_001736.4 (MANE Select); coding-DNA position 509, C replaced by A.
Protein change: p.Pro170His; replaces proline 170 with histidine.
Molecular consequence: missense variant.
Genome position (GRCh38, 1-based): chr19:47,320,286, C>A. VCF-style: chr19-47320286-C-A. GRCh37 (hg19) VCF-style: chr19-47823543-C-A.
Other names: short protein forms P170H.
Identifiers: ClinVar variation 2633744 (VCV002633744.1), dbSNP rs2514890152, ClinGen allele CA406572171.

ClinVar aggregate classification (germline): Uncertain significance (1 of 4 stars; one submission).

Conditions:
C5AR1-related disorder. Also called: C5AR1-related condition.

Submission:

PreventionGenetics, part of Exact Sciences
Classification: Uncertain significance for C5AR1-related condition. Last evaluated: 2023-03-27. Review status: criteria provided, single submitter. Criteria: ACMG Guidelines, 2015. Collection method: clinical testing. Allele origin: germline.
Comment: The C5AR1 c.509C>A variant is predicted to result in the amino acid substitution p.Pro170His. To our knowledge, this variant has not been reported in the literature or in a large population database, indicating this variant is rare. At this time, the clinical significance of this variant is uncertain due to the absence of conclusive functional and genetic evidence.